The following is an entry in ClinVar:

ClinVar aggregate classification (germline): Uncertain significance (1 of 4 stars; one submission).

Submission:

Labcorp Genetics (formerly Invitae), Labcorp
Classification: Uncertain significance. Last evaluated: 2025-07-02. Review status: criteria provided, single submitter. Criteria: Invitae Variant Classification Sherloc (09022015). Collection method: clinical testing. Allele origin: germline.
Comment: This sequence change replaces glycine, which is neutral and non-polar, with serine, which is neutral and polar, at codon 337 of the FN1 protein (p.Gly337Ser). This variant is not present in population databases (gnomAD no frequency). This variant has not been reported in the literature in individuals affected with FN1-related conditions. An algorithm developed to predict the effect of missense changes on protein structure and function (PolyPhen-2) suggests that this variant is likely to be disruptive. In summary, the available evidence is currently insufficient to determine the role of this variant in disease. Therefore, it has been classified as a Variant of Uncertain Significance.

NM_212482.4(FN1):c.1009G>A (p.Gly337Ser)

Gene: FN1 (fibronectin 1; minus strand). Cytogenetic location: 2q35.
Variant type: single nucleotide variant.
Coding change: c.1009G>A on transcript NM_212482.4 (MANE Select); coding-DNA position 1009, G replaced by A.
Protein change: p.Gly337Ser; replaces glycine 337 with serine.
Molecular consequence: missense variant.
Genome position (GRCh38, 1-based): chr2:215,425,121, C>T on the plus strand (G>A on the coding strand, the complement: FN1 is on the minus strand). VCF-style: chr2-215425121-C-T. GRCh37 (hg19) VCF-style: chr2-216289844-C-T.
Other names: c.1009G>A, p.Gly337Ser (NM_001306129.2, NM_001306130.2, NM_001306131.2 and 14 more transcripts); short protein forms G337S.
Identifiers: ClinVar variation 4694134 (VCV004694134.1).
Genomic context (GRCh38, chr2:215,425,121, plus strand): 5'-ATCAGTCCTATTCTTCAAAAAGATAATGCATACCTGTCTCTTGGCAGCTGACTCCGTTGC[C>T]CAGGCACGTGCAAAGCATTTGCTTATTTCCTTGTGTCTTCAGCCACTGCATCCCCACAGA-3'
Protein context (NP_997647.2, residues 327-347): GNKQMLCTCL[Gly337Ser]NGVSCQETAV